The following is an entry in ClinVar:

NM_004736.4(XPR1):c.530T>G (p.Val177Gly)

Gene: XPR1 (xenotropic and polytropic retrovirus receptor 1; plus strand). Cytogenetic location: 1q25.3.
Variant type: single nucleotide variant.
Coding change: c.530T>G on transcript NM_004736.4 (MANE Select); coding-DNA position 530, T replaced by G.
Protein change: p.Val177Gly; replaces valine 177 with glycine.
Molecular consequence: missense variant. On other transcripts: non-coding transcript variant (1).
Genome position (GRCh38, 1-based): chr1:180,806,144, T>G. VCF-style: chr1-180806144-T-G. GRCh37 (hg19) VCF-style: chr1-180775280-T-G.
Other names: c.530T>G, p.Val177Gly (NM_001135669.2, NM_001328662.2); short protein forms V177G.
Identifiers: ClinVar variation 3648254 (VCV003648254.2).

ClinVar aggregate classification (germline): Uncertain significance (1 of 4 stars; one submission).

Submission:

Labcorp Genetics (formerly Invitae), Labcorp
Classification: Uncertain significance. Last evaluated: 2024-06-19. Review status: criteria provided, single submitter. Criteria: Invitae Variant Classification Sherloc (09022015). Collection method: clinical testing. Allele origin: germline.
Comment: This sequence change replaces valine, which is neutral and non-polar, with glycine, which is neutral and non-polar, at codon 177 of the XPR1 protein (p.Val177Gly). This variant is not present in population databases (gnomAD no frequency). This variant has not been reported in the literature in individuals affected with XPR1-related conditions. Advanced modeling of protein sequence and biophysical properties (such as structural, functional, and spatial information, amino acid conservation, physicochemical variation, residue mobility, and thermodynamic stability) performed at Invitae indicates that this missense variant is not expected to disrupt XPR1 protein function with a negative predictive value of 80%. In summary, the available evidence is currently insufficient to determine the role of this variant in disease. Therefore, it has been classified as a Variant of Uncertain Significance.